The following is an entry in ClinVar:

ClinVar aggregate classification (germline): Uncertain significance (1 of 4 stars; one submission).

Allele frequency attached by ClinVar (database versions not stated): ExAC 0.00001; gnomAD 0.00001; TOPMed 0.00001; gnomAD exomes 0.00002.
gnomAD v4.1: 39 of 1,613,726 alleles (0.0024%); highest among the groups gnomAD compares: Non-Finnish European, 0.0028%; no homozygotes.

Submission:

Labcorp Genetics (formerly Invitae), Labcorp
Classification: Uncertain significance. Last evaluated: 2022-08-22. Review status: criteria provided, single submitter. Criteria: Invitae Variant Classification Sherloc (09022015). Collection method: clinical testing. Allele origin: germline.
Comment: This sequence change replaces valine, which is neutral and non-polar, with alanine, which is neutral and non-polar, at codon 75 of the QRSL1 protein (p.Val75Ala). This variant is present in population databases (rs200164281, gnomAD 0.004%). In summary, the available evidence is currently insufficient to determine the role of this variant in disease. Therefore, it has been classified as a Variant of Uncertain Significance. Algorithms developed to predict the effect of missense changes on protein structure and function (SIFT, PolyPhen-2, Align-GVGD) all suggest that this variant is likely to be tolerated. This variant has not been reported in the literature in individuals affected with QRSL1-related conditions.

NM_018292.5(QRSL1):c.224T>C (p.Val75Ala)

Gene: QRSL1 (glutaminyl-tRNA amidotransferase subunit QRSL1; plus strand). Cytogenetic location: 6q21.
Variant type: single nucleotide variant.
Coding change: c.224T>C on transcript NM_018292.5 (MANE Select); coding-DNA position 224, T replaced by C.
Protein change: p.Val75Ala; replaces valine 75 with alanine.
Molecular consequence: missense variant.
Genome position (GRCh38, 1-based): chr6:106,640,862, T>C. VCF-style: chr6-106640862-T-C. GRCh37 (hg19) VCF-style: chr6-107088737-T-C.
Other names: short protein forms V75A.
Identifiers: ClinVar variation 1895884 (VCV001895884.5), dbSNP rs200164281, ClinGen allele CA3944703.
Genomic context (GRCh38, chr6:106,640,862, plus strand): 5'-TCTTTTGGCTTTTTAATGCAGGACAGTCACTTGGGGATTTAGATGGAATTCCTATTGCAG[T>C]AAAAGACAATTTCAGCACTTCTGGCATTGAGACAACATGTGCATCAAATATGCTGAAAGG-3'
Protein context (NP_060762.3, residues 65-85): LGDLDGIPIA[Val75Ala]KDNFSTSGIE